The following is an entry in ClinVar:

ClinVar aggregate classification (germline): Uncertain significance (1 of 4 stars; one submission).

Conditions:
Capillary malformation-arteriovenous malformation syndrome. Also called: Capillary malformation-arteriovenous malformation. Identifiers: Orphanet 137667, MedGen C1842180, MONDO:0012016.

Submission:

Labcorp Genetics (formerly Invitae), Labcorp
Classification: Uncertain significance for Capillary malformation-arteriovenous malformation syndrome. Last evaluated: 2023-09-10. Review status: criteria provided, single submitter. Criteria: Invitae Variant Classification Sherloc (09022015). Collection method: clinical testing. Allele origin: germline.
Comment: This sequence change replaces leucine, which is neutral and non-polar, with phenylalanine, which is neutral and non-polar, at codon 995 of the RASA1 protein (p.Leu995Phe). This variant is not present in population databases (gnomAD no frequency). This variant has not been reported in the literature in individuals affected with RASA1-related conditions. An algorithm developed to predict the effect of missense changes on protein structure and function (PolyPhen-2) suggests that this variant is likely to be disruptive. In summary, the available evidence is currently insufficient to determine the role of this variant in disease. Therefore, it has been classified as a Variant of Uncertain Significance.

NM_002890.3(RASA1):c.2985A>T (p.Leu995Phe)

Genes: CCNH (cyclin H; minus strand), RASA1 (RAS p21 protein activator 1; plus strand). Cytogenetic location: 5q14.3.
Variant type: single nucleotide variant.
Coding change: c.2985A>T on transcript NM_002890.3 (MANE Select); coding-DNA position 2985, A replaced by T.
Protein change: p.Leu995Phe; replaces leucine 995 with phenylalanine.
Molecular consequence: missense variant. On other transcripts: intron variant (1).
Genome position (GRCh38, 1-based): chr5:87,389,452, A>T. VCF-style: chr5-87389452-A-T. GRCh37 (hg19) VCF-style: chr5-86685269-A-T.
Other names: c.2454A>T, p.Leu818Phe (NM_022650.3); c.933+5592T>A (NM_001364075.2); short protein forms L818F, L995F.
Identifiers: ClinVar variation 2838748 (VCV002838748.3), dbSNP rs766526403, ClinGen allele CA360388223.